The following is an entry in ClinVar:

NM_058216.3(RAD51C):c.369T>A (p.Ile123=)

Gene: RAD51C (RAD51 paralog C; plus strand). Cytogenetic location: 17q22.
Variant type: single nucleotide variant.
Coding change: c.369T>A on transcript NM_058216.3 (MANE Select); coding-DNA position 369, T replaced by A.
Protein change: p.Ile123=; no amino-acid change (isoleucine 123 retained).
Molecular consequence: synonymous variant. On other transcripts: non-coding transcript variant (2).
Genome position (GRCh38, 1-based): chr17:58,695,154, T>A. VCF-style: chr17-58695154-T-A. GRCh37 (hg19) VCF-style: chr17-56772515-T-A.
Other names: c.369T>A, p.Ile123= (NM_002876.4); c.369T>A (NM_058216.1).
Identifiers: ClinVar variation 1671141 (VCV001671141.36), dbSNP rs2143726485, ClinGen allele CA501074772.

ClinVar aggregate classification (germline): Conflicting classifications of pathogenicity. Review status: criteria provided, conflicting classifications (1 of 4 stars). 4 submissions from 4 submitters: Uncertain significance (1); Benign (1); Likely benign (2). Last evaluated 2025-12-17.

Conditions:
Breast-ovarian cancer, familial, susceptibility to, 3. Also called: RAD51C-Related Breast/Ovarian Cancer. Identifiers: Orphanet 145, MedGen C3150659, MONDO:0013253, OMIM 613399.
Fanconi anemia complementation group O. Also called: RAD51C-Related Fanconi Anemia. Identifiers: Orphanet 84, MedGen C3150653, MONDO:0013248, OMIM 613390.
Hereditary cancer-predisposing syndrome. Also called: Hereditary Cancer Syndrome; Neoplastic Syndromes, Hereditary; Hereditary neoplastic syndrome; Tumor predisposition. Identifiers: Orphanet 140162, MedGen C0027672, MeSH D009386, MONDO:0015356.

Submissions (4):

Labcorp Genetics (formerly Invitae), Labcorp
Classification: Likely benign for Fanconi anemia complementation group O. Last evaluated: 2025-12-17. Review status: criteria provided, single submitter. Criteria: Invitae Variant Classification Sherloc (09022015). Collection method: clinical testing. Allele origin: germline.

Myriad Genetics, Inc.
Classification: Benign for Breast-ovarian cancer, familial, susceptibility to, 3. Last evaluated: 2025-02-14. Review status: criteria provided, single submitter. Criteria: Myriad Autosomal Dominant, Autosomal Recessive and X-Linked Classification Criteria (2023). Collection method: clinical testing. Allele origin: unknown.
Comment: This variant is considered benign. This variant is a silent/synonymous amino acid change and it is not expected to impact splicing.

Ambry Genetics
Classification: Likely benign for Hereditary cancer-predisposing syndrome. Last evaluated: 2024-10-25. Review status: criteria provided, single submitter. Criteria: Ambry Variant Classification Scheme 2023. Collection method: clinical testing. Allele origin: germline.

CeGaT Center for Human Genetics Tuebingen
Classification: Uncertain significance. Last evaluated: 2023-03-01. Review status: criteria provided, single submitter. Criteria: CeGaT Center For Human Genetics Tuebingen Variant Classification Criteria Version 2. Collection method: clinical testing. Allele origin: germline. Affected: yes. Observed: 1 variant allele.
Comment: RAD51C: PM2, BP4